The following is an entry in ClinVar:

NM_017986.4(SLC52A1):c.63G>A (p.Met21Ile)

Gene: SLC52A1 (solute carrier family 52 member 1; minus strand). Cytogenetic location: 17p13.2.
Variant type: single nucleotide variant.
Coding change: c.63G>A on transcript NM_017986.4 (MANE Select); coding-DNA position 63, G replaced by A.
Protein change: p.Met21Ile; replaces methionine 21 with isoleucine.
Molecular consequence: missense variant.
Genome position (GRCh38, 1-based): chr17:5,034,544, C>T on the plus strand (G>A on the coding strand, the complement: SLC52A1 is on the minus strand). VCF-style: chr17-5034544-C-T. GRCh37 (hg19) VCF-style: chr17-4937839-C-T.
Other names: c.63G>A, p.Met21Ile (NM_001104577.2); short protein forms M21I.
Identifiers: ClinVar variation 970405 (VCV000970405.11), dbSNP rs1341817796, ClinGen allele CA397334128.
Genomic context (GRCh38, chr17:5,034,544, plus strand): 5'-AAGGTCTTTTACCACCACAGGCAGCTCCACCCAGATCCCGTTCACAGCAGCCCAGGAGCC[C>T]ATGCCAAAAAGGGCCACCAGCAGGTGGGTCAGCACCAGACGGCCCAGCGTGGGTGCTGCC-3'
Protein context (NP_060456.3, residues 11-31): LTHLLVALFG[Met21Ile]GSWAAVNGIW

ClinVar aggregate classification (germline): Uncertain significance (1 of 4 stars; one submission).

Conditions:
Vitamin B2 deficiency. Identifiers: MedGen C0035528.

Allele frequency attached by ClinVar (database versions not stated): gnomAD exomes below 0.00001.
gnomAD v4.1: 4 of 1,614,204 alleles (0.00025%); highest among the groups gnomAD compares: Admixed American, 0.005%; no homozygotes.

Submission:

Labcorp Genetics (formerly Invitae), Labcorp
Classification: Uncertain significance for Vitamin B2 deficiency. Last evaluated: 2025-07-13. Review status: criteria provided, single submitter. Criteria: Invitae Variant Classification Sherloc (09022015). Collection method: clinical testing. Allele origin: germline.
Comment: This sequence change replaces methionine, which is neutral and non-polar, with isoleucine, which is neutral and non-polar, at codon 21 of the SLC52A1 protein (p.Met21Ile). This variant is present in population databases (no rsID available, gnomAD no frequency). This variant has not been reported in the literature in individuals affected with SLC52A1-related conditions. ClinVar contains an entry for this variant (Variation ID: 970405). Invitae Evidence Modeling of protein sequence and biophysical properties (such as structural, functional, and spatial information, amino acid conservation, physicochemical variation, residue mobility, and thermodynamic stability) indicates that this missense variant is not expected to disrupt SLC52A1 protein function with a negative predictive value of 80%. Algorithms developed to predict the effect of sequence changes on RNA splicing suggest that this variant may create or strengthen a splice site. In summary, the available evidence is currently insufficient to determine the role of this variant in disease. Therefore, it has been classified as a Variant of Uncertain Significance.